The following is an entry in ClinVar:

ClinVar aggregate classification (germline): Likely pathogenic (1 of 4 stars; one submission).

Submission:

Labcorp Genetics (formerly Invitae), Labcorp
Classification: Likely pathogenic. Last evaluated: 2023-04-22. Review status: criteria provided, single submitter. Criteria: Invitae Variant Classification Sherloc (09022015). Collection method: clinical testing. Allele origin: germline.
Comment: Algorithms developed to predict the effect of sequence changes on RNA splicing suggest that this variant may disrupt the consensus splice site. This variant has not been reported in the literature in individuals affected with CLCN2-related conditions. This variant is not present in population databases (gnomAD no frequency). This sequence change affects a donor splice site in intron 2 of the CLCN2 gene. It is expected to disrupt RNA splicing. Variants that disrupt the donor or acceptor splice site typically lead to a loss of protein function (PMID: 16199547), and loss-of-function variants in CLCN2 are known to be pathogenic (PMID: 23707145). In summary, the currently available evidence indicates that the variant is pathogenic, but additional data are needed to prove that conclusively. Therefore, this variant has been classified as Likely Pathogenic.

Literature cited by the submitters: PubMed 16199547; PubMed 23707145.

NM_004366.6(CLCN2):c.220+1G>A

Gene: CLCN2 (chloride voltage-gated channel 2; minus strand). Cytogenetic location: 3q27.1.
Variant type: single nucleotide variant.
Coding change: c.220+1G>A on transcript NM_004366.6 (MANE Select); the canonical splice donor site of the intron after coding-DNA position 220, G replaced by A.
Molecular consequence: splice donor variant.
Genome position (GRCh38, 1-based): chr3:184,358,974, C>T on the plus strand (G>A on the coding strand, the complement: CLCN2 is on the minus strand). VCF-style: chr3-184358974-C-T. GRCh37 (hg19) VCF-style: chr3-184076762-C-T.
Other names: c.220+1G>A (NM_001171088.3, NM_001171087.3, NM_001171089.3).
Identifiers: ClinVar variation 2858307 (VCV002858307.3), dbSNP rs1467529061, ClinGen allele CA355458186.